The following is an entry in ClinVar:

NM_017950.4(CCDC40):c.682C>T (p.Pro228Ser)

Gene: CCDC40 (coiled-coil domain 40 molecular ruler complex subunit; plus strand). Cytogenetic location: 17q25.3.
Variant type: single nucleotide variant.
Coding change: c.682C>T on transcript NM_017950.4 (MANE Select); coding-DNA position 682, C replaced by T.
Protein change: p.Pro228Ser; replaces proline 228 with serine.
Molecular consequence: missense variant.
Genome position (GRCh38, 1-based): chr17:80,048,588, C>T. VCF-style: chr17-80048588-C-T. GRCh37 (hg19) VCF-style: chr17-78022387-C-T.
Other names: c.682C>T, p.Pro228Ser (NM_001243342.2, NM_001330508.2); short protein forms P228S.
Identifiers: ClinVar variation 241244 (VCV000241244.6), dbSNP rs878855043, ClinGen allele CA10583690.

ClinVar aggregate classification (germline): Uncertain significance (1 of 4 stars; one submission).

Conditions:
Primary ciliary dyskinesia. Also called: Ciliary dyskinesia. Identifiers: Orphanet 244, MedGen C0008780, MONDO:0016575, HP:0012265.

Allele frequency attached by ClinVar (database versions not stated): gnomAD exomes 0.00001.
gnomAD v4.1: 11 of 1,612,766 alleles (0.00068%); highest among the groups gnomAD compares: Non-Finnish European, 0.00093%; no homozygotes.

Submission:

Labcorp Genetics (formerly Invitae), Labcorp
Classification: Uncertain significance for Primary ciliary dyskinesia. Last evaluated: 2021-08-24. Review status: criteria provided, single submitter. Criteria: Invitae Variant Classification Sherloc (09022015). Collection method: clinical testing. Allele origin: germline.
Comment: This sequence change replaces proline with serine at codon 228 of the CCDC40 protein (p.Pro228Ser). The proline residue is moderately conserved and there is a moderate physicochemical difference between proline and serine. This variant is not present in population databases (ExAC no frequency). This variant has not been reported in the literature in individuals affected with CCDC40-related conditions. Algorithms developed to predict the effect of missense changes on protein structure and function are either unavailable or do not agree on the potential impact of this missense change (SIFT: "Deleterious"; PolyPhen-2: "Benign"; Align-GVGD: "Class C0"). In summary, the available evidence is currently insufficient to determine the role of this variant in disease. Therefore, it has been classified as a Variant of Uncertain Significance.